The following is an entry in ClinVar:

ClinVar aggregate classification (germline): Uncertain significance. Review status: criteria provided, multiple submitters, no conflicts (2 of 4 stars). 3 submissions from 3 submitters: Uncertain significance (3). Last evaluated 2026-06-03.

Conditions:
ABHD12-related disorder. Also called: ABHD12-related condition.

Allele frequency attached by ClinVar (database versions not stated): gnomAD 0.00001; TOPMed 0.00003.
gnomAD v4.1: 25 of 1,613,986 alleles (0.0015%); highest among the groups gnomAD compares: Admixed American, 0.042%; no homozygotes.

Submissions (3):

PreventionGenetics, part of Exact Sciences
Classification: Uncertain significance for ABHD12-related condition. Last evaluated: 2026-06-03. Review status: criteria provided, single submitter. Criteria: ACMG Guidelines, 2015. Collection method: clinical testing. Allele origin: germline.
Comment: The ABHD12 c.272A>C variant is predicted to result in the amino acid substitution p.Lys91Thr. To our knowledge, this variant has not been reported in the literature. This variant is reported in 0.052% of alleles in individuals of Latino descent in gnomAD, which may be too frequent to be a primary cause of disease. Although we suspect that this variant may be benign, at this time, the clinical significance of this variant is uncertain due to the absence of conclusive functional and genetic evidence.

GeneDx
Classification: Uncertain significance. Last evaluated: 2025-08-26. Review status: criteria provided, single submitter. Criteria: GeneDx Variant Classification Process June 2021. Collection method: clinical testing. Allele origin: germline. Affected: yes.
Comment: In silico analysis supports that this missense variant has a deleterious effect on protein structure/function; Has not been previously published as pathogenic or benign to our knowledge

Labcorp Genetics (formerly Invitae), Labcorp
Classification: Uncertain significance. Last evaluated: 2022-09-27. Review status: criteria provided, single submitter. Criteria: Invitae Variant Classification Sherloc (09022015). Collection method: clinical testing. Allele origin: germline.
Comment: This sequence change replaces lysine, which is basic and polar, with threonine, which is neutral and polar, at codon 91 of the ABHD12 protein (p.Lys91Thr). This variant is present in population databases (rs772038529, gnomAD 0.05%). This variant has not been reported in the literature in individuals affected with ABHD12-related conditions. ClinVar contains an entry for this variant (Variation ID: 1034887). Advanced modeling of protein sequence and biophysical properties (such as structural, functional, and spatial information, amino acid conservation, physicochemical variation, residue mobility, and thermodynamic stability) performed at Invitae indicates that this missense variant is not expected to disrupt ABHD12 protein function. In summary, the available evidence is currently insufficient to determine the role of this variant in disease. Therefore, it has been classified as a Variant of Uncertain Significance.

NM_001042472.3(ABHD12):c.272A>C (p.Lys91Thr)

Gene: ABHD12 (abhydrolase domain containing 12, lysophospholipase; minus strand). Cytogenetic location: 20p11.21.
Variant type: single nucleotide variant.
Coding change: c.272A>C on transcript NM_001042472.3 (MANE Select); coding-DNA position 272, A replaced by C.
Protein change: p.Lys91Thr; replaces lysine 91 with threonine.
Molecular consequence: missense variant.
Genome position (GRCh38, 1-based): chr20:25,339,271, T>G on the plus strand (A>C on the coding strand, the complement: ABHD12 is on the minus strand). VCF-style: chr20-25339271-T-G. GRCh37 (hg19) VCF-style: chr20-25319907-T-G.
Other names: c.272A>C, p.Lys91Thr (NM_015600.5); c.272A>C (NM_001042472.2); short protein forms K91T.
Identifiers: ClinVar variation 1034887 (VCV001034887.6), dbSNP rs772038529, ClinGen allele CA9796206.